The following is an entry in ClinVar:

NM_006662.3(SRCAP):c.3325A>G (p.Thr1109Ala)

Gene: SRCAP (Snf2 related CREBBP activator protein; plus strand). Cytogenetic location: 16p11.2.
Variant type: single nucleotide variant.
Coding change: c.3325A>G on transcript NM_006662.3 (MANE Select); coding-DNA position 3325, A replaced by G.
Protein change: p.Thr1109Ala; replaces threonine 1109 with alanine.
Molecular consequence: missense variant.
Genome position (GRCh38, 1-based): chr16:30,721,260, A>G. VCF-style: chr16-30721260-A-G. GRCh37 (hg19) VCF-style: chr16-30732581-A-G.
Other names: short protein forms T1109A.
Identifiers: ClinVar variation 3667402 (VCV003667402.2).
Genomic context (GRCh38, chr16:30,721,260, plus strand): 5'-CCCCTGGGGGTCCTGAGTGGGACCTCACGGCCTCCCACGCCAACCTTGTCCCTAAAGCCA[A>G]CACCACCTGCCCCAGTTCGCCTGAGCCCAGCCCCACCTCCAGGCTCCTCTAGCCTGTTGA-3'
Protein context (NP_006653.2, residues 1099-1119): PPTPTLSLKP[Thr1109Ala]PPAPVRLSPA

ClinVar aggregate classification (germline): Uncertain significance (1 of 4 stars; one submission).

Submission:

Labcorp Genetics (formerly Invitae), Labcorp
Classification: Uncertain significance. Last evaluated: 2024-10-23. Review status: criteria provided, single submitter. Criteria: Invitae Variant Classification Sherloc (09022015). Collection method: clinical testing. Allele origin: germline.
Comment: This sequence change replaces threonine, which is neutral and polar, with alanine, which is neutral and non-polar, at codon 1109 of the SRCAP protein (p.Thr1109Ala). This variant is not present in population databases (gnomAD no frequency). This variant has not been reported in the literature in individuals affected with SRCAP-related conditions. Invitae Evidence Modeling of protein sequence and biophysical properties (such as structural, functional, and spatial information, amino acid conservation, physicochemical variation, residue mobility, and thermodynamic stability) indicates that this missense variant is not expected to disrupt SRCAP protein function with a negative predictive value of 80%. In summary, the available evidence is currently insufficient to determine the role of this variant in disease. Therefore, it has been classified as a Variant of Uncertain Significance.